The following is an entry in ClinVar:

ClinVar aggregate classification (germline): Pathogenic (1 of 4 stars; one submission).

Conditions:
Arrhythmogenic right ventricular dysplasia 8 (ARVD8). Also called: Arrhythmogenic Right Ventricular Dysplasia/Cardiomyopathy 8; ARRHYTHMOGENIC RIGHT VENTRICULAR DYSPLASIA, FAMILIAL, 8; ARRHYTHMOGENIC RIGHT VENTRICULAR CARDIOMYOPATHY 8. Identifiers: MedGen C1843896, MONDO:0011831, OMIM 607450.
Arrhythmogenic cardiomyopathy with wooly hair and keratoderma. Also called: PALMOPLANTAR KERATODERMA WITH LEFT VENTRICULAR CARDIOMYOPATHY AND WOOLLY HAIR; Carvajal syndrome; Dilated cardiomyopathy with woolly hair and keratoderma; Arrhythmogenic cardiomyopathy with woolly hair and keratoderma. Identifiers: Orphanet 65282, MedGen C1854063, MONDO:0011581, OMIM 605676.

Submission:

Labcorp Genetics (formerly Invitae), Labcorp
Classification: Pathogenic for Arrhythmogenic cardiomyopathy with wooly hair and keratoderma; Arrhythmogenic right ventricular dysplasia 8. Last evaluated: 2024-03-21. Review status: criteria provided, single submitter. Criteria: Invitae Variant Classification Sherloc (09022015). Collection method: clinical testing. Allele origin: germline.
Comment: This sequence change creates a premature translational stop signal (p.Leu2158Cysfs*5) in the DSP gene. While this is not anticipated to result in nonsense mediated decay, it is expected to disrupt the last 714 amino acid(s) of the DSP protein. This variant is not present in population databases (gnomAD no frequency). This variant has not been reported in the literature in individuals affected with DSP-related conditions. This variant disrupts a region of the DSP protein in which other variant(s) (p.Glu2728Glyfs*11) have been determined to be pathogenic (Invitae). This suggests that this is a clinically significant region of the protein, and that variants that disrupt it are likely to be disease-causing. For these reasons, this variant has been classified as Pathogenic.

NM_004415.4(DSP):c.6473del (p.Leu2158fs)

Gene: DSP (desmoplakin; plus strand). Cytogenetic location: 6p24.3.
Variant type: Deletion.
Coding change: c.6473del on transcript NM_004415.4 (MANE Select); coding-DNA position 6473, one base deleted (T; older notation c.6473delT).
Protein change: p.Leu2158fs; shifts the reading frame from leucine 2158.
Molecular consequence: frameshift variant.
Genome position (GRCh38, 1-based): chr6:7,583,735, T deleted; the last of 3 consecutive T bases (chr6:7,583,733-7,583,735); deleting any one gives the same sequence. VCF-style (leftmost placement, unchanged base first): chr6-7583732-AT-A. GRCh37 (hg19) VCF-style: chr6-7583965-AT-A.
Other names: c.4676del, p.Leu1559fs (NM_001008844.3); c.5144del, p.Leu1715fs (NM_001319034.2); short protein forms L1559fs, L1715fs, L2158fs.
Identifiers: ClinVar variation 3755448 (VCV003755448.2).